The following is an entry in ClinVar:

ClinVar aggregate classification (germline): Pathogenic (1 of 4 stars; one submission).

gnomAD v4.1: 4 of 1,612,206 alleles (0.00025%); highest among the groups gnomAD compares: Non-Finnish European, 0.00025%; no homozygotes.

Submission:

Labcorp Genetics (formerly Invitae), Labcorp
Classification: Pathogenic. Last evaluated: 2025-06-10. Review status: criteria provided, single submitter. Criteria: Invitae Variant Classification Sherloc (09022015). Collection method: clinical testing. Allele origin: germline.
Comment: This sequence change creates a premature translational stop signal (p.Arg1961*) in the PLCE1 gene. It is expected to result in an absent or disrupted protein product. Loss-of-function variants in PLCE1 are known to be pathogenic (PMID: 17086182, 20591883). This variant is not present in population databases (gnomAD no frequency). This variant has not been reported in the literature in individuals affected with PLCE1-related conditions. Algorithms developed to predict the effect of sequence changes on RNA splicing suggest that this variant may disrupt the consensus splice site. For these reasons, this variant has been classified as Pathogenic.

Literature cited by the submitters: PubMed 17086182; PubMed 20591883.

NM_016341.4(PLCE1):c.5881C>T (p.Arg1961Ter)

Gene: PLCE1 (phospholipase C epsilon 1; plus strand). Cytogenetic location: 10q23.33.
Variant type: single nucleotide variant.
Coding change: c.5881C>T on transcript NM_016341.4 (MANE Select); coding-DNA position 5881, C replaced by T.
Protein change: p.Arg1961Ter; replaces arginine 1961 with a stop codon.
Molecular consequence: nonsense.
Genome position (GRCh38, 1-based): chr10:94,306,685, C>T. VCF-style: chr10-94306685-C-T. GRCh37 (hg19) VCF-style: chr10-96066442-C-T.
Other names: c.4957C>T, p.Arg1653Ter (NM_001165979.2); c.5833C>T, p.Arg1945Ter (NM_001288989.2); short protein forms R1653*, R1945*, R1961*.
Identifiers: ClinVar variation 4775590 (VCV004775590.1).